The following is an entry in ClinVar:

ClinVar aggregate classification (germline): Uncertain significance. Review status: criteria provided, multiple submitters, no conflicts (2 of 4 stars). 2 submissions from 2 submitters: Uncertain significance (2). Last evaluated 2025-10-06.

Allele frequency attached by ClinVar (database versions not stated): gnomAD exomes 0.00004; ExAC 0.00006; gnomAD 0.00006; TOPMed 0.00006; ESP Exome Variant Server 0.00016.
gnomAD v4.1: 65 of 1,613,834 alleles (0.004%); highest among the groups gnomAD compares: Non-Finnish European, 0.0053%; no homozygotes.

Submissions (2):

Ambry Genetics
Classification: Uncertain significance. Last evaluated: 2025-10-06. Review status: criteria provided, single submitter. Criteria: Ambry Variant Classification Scheme 2023. Collection method: clinical testing. Allele origin: germline.

Women's Health and Genetics/Laboratory Corporation of America, LabCorp
Classification: Uncertain significance. Last evaluated: 2023-07-24. Review status: criteria provided, single submitter. Criteria: LabCorp Variant Classification Summary - May 2015. Collection method: clinical testing. Allele origin: germline.
Comment: Variant summary: TENM4 c.7262A>T (p.Tyr2421Phe) results in a conservative amino acid change located in the Rhs repeat-associated core domain (IPR022385) of the encoded protein sequence. Four of five in-silico tools predict a damaging effect of the variant on protein function. The variant allele was found at a frequency of 4.4e-05 in 248976 control chromosomes. This frequency does not allow for any conclusion about variant significance. To our knowledge, no occurrence of c.7262A>T in individuals affected with Tremor, Hereditary Essential, 5 and no experimental evidence demonstrating its impact on protein function have been reported. One submitter has cited clinical-significance assessments for this variant to ClinVar after 2014 and has classified the variant as uncertain significance. Based on the evidence outlined above, the variant was classified as uncertain significance.

NM_001098816.3(TENM4):c.7262A>T (p.Tyr2421Phe)

Gene: TENM4 (teneurin transmembrane protein 4; minus strand). Cytogenetic location: 11q14.1.
Variant type: single nucleotide variant.
Coding change: c.7262A>T on transcript NM_001098816.3 (MANE Select); coding-DNA position 7262, A replaced by T.
Protein change: p.Tyr2421Phe; replaces tyrosine 2421 with phenylalanine.
Molecular consequence: missense variant.
Genome position (GRCh38, 1-based): chr11:78,669,083, T>A on the plus strand (A>T on the coding strand, the complement: TENM4 is on the minus strand). VCF-style: chr11-78669083-T-A. GRCh37 (hg19) VCF-style: chr11-78380128-T-A.
Other names: short protein forms Y2421F.
Identifiers: ClinVar variation 2233247 (VCV002233247.4), dbSNP rs372540311, ClinGen allele CA6206287.